The following is an entry in ClinVar:

NM_177438.3(DICER1):c.2752A>G (p.Thr918Ala)

Gene: DICER1 (dicer 1, ribonuclease III; minus strand). Cytogenetic location: 14q32.13.
Variant type: single nucleotide variant.
Coding change: c.2752A>G on transcript NM_177438.3 (MANE Select); coding-DNA position 2752, A replaced by G.
Protein change: p.Thr918Ala; replaces threonine 918 with alanine.
Molecular consequence: missense variant.
Genome position (GRCh38, 1-based): chr14:95,107,660, T>C on the plus strand (A>G on the coding strand, the complement: DICER1 is on the minus strand). VCF-style: chr14-95107660-T-C. GRCh37 (hg19) VCF-style: chr14-95573997-T-C.
Other names: c.2752A>G, p.Thr918Ala (NM_001195573.1, NM_001271282.3, NM_001291628.2 and 1 more transcripts); short protein forms T918A.
Identifiers: ClinVar variation 647500 (VCV000647500.14), dbSNP rs377326167, ClinGen allele CA7331185.
Genomic context (GRCh38, chr14:95,107,660, plus strand): 5'-ATACCTACCTTGGAATGATAACGGCATCTTGGTAATCTTCTAATTTAAAAACAAAGGGTG[T>C]TTCTTTTGTATACTTTGTACTGGGAATGCCTATGCGAGCTTCAGACTTCTCAATATCTTC-3'
Protein context (NP_803187.1, residues 908-928): GIPSTKYTKE[Thr918Ala]PFVFKLEDYQ

ClinVar aggregate classification (germline): Conflicting classifications of pathogenicity. Review status: criteria provided, conflicting classifications (1 of 4 stars). 4 submissions from 4 submitters: Uncertain significance (3); Likely benign (1). Last evaluated 2025-12-29.

Conditions:
DICER1-related tumor predisposition. Also called: DICER1-related pleuropulmonary blastoma cancer predisposition syndrome; DICER1 syndrome. Identifiers: Orphanet 284343, MedGen C3839822, MONDO:0100216.
Hereditary cancer-predisposing syndrome. Also called: Hereditary Cancer Syndrome; Tumor predisposition; Neoplastic Syndromes, Hereditary; Hereditary neoplastic syndrome. Identifiers: Orphanet 140162, MedGen C0027672, MeSH D009386, MONDO:0015356.

Allele frequency attached by ClinVar (database versions not stated): TOPMed 0.00001.
gnomAD v4.1: 23 of 1,613,542 alleles (0.0014%); highest among the groups gnomAD compares: Non-Finnish European, 0.0017%; no homozygotes.

Submissions (4):

Labcorp Genetics (formerly Invitae), Labcorp
Classification: Uncertain significance for DICER1-related tumor predisposition. Last evaluated: 2025-12-29. Review status: criteria provided, single submitter. Criteria: Invitae Variant Classification Sherloc (09022015). Collection method: clinical testing. Allele origin: germline.
Comment: This sequence change replaces threonine, which is neutral and polar, with alanine, which is neutral and non-polar, at codon 918 of the DICER1 protein (p.Thr918Ala). This variant is present in population databases (rs377326167, gnomAD 0.003%). This variant has not been reported in the literature in individuals affected with DICER1-related conditions. ClinVar contains an entry for this variant (Variation ID: 647500). Invitae Evidence Modeling of protein sequence and biophysical properties (such as structural, functional, and spatial information, amino acid conservation, physicochemical variation, residue mobility, and thermodynamic stability) indicates that this missense variant is not expected to disrupt DICER1 protein function with a negative predictive value of 95%. In summary, the available evidence is currently insufficient to determine the role of this variant in disease. Therefore, it has been classified as a Variant of Uncertain Significance.

Quest Diagnostics Nichols Institute San Juan Capistrano
Classification: Uncertain significance. Last evaluated: 2025-07-27. Review status: criteria provided, single submitter. Criteria: Quest Diagnostics criteria. Collection method: clinical testing. Allele origin: unknown.
Comment: The DICER1 c.2752A>G (p.Thr918Ala) variant has not been reported in individuals with DICER1-related conditions in the published literature. The frequency of this variant in the general population (Genome Aggregation Database) is uninformative in the assessment of its pathogenicity. Analysis of this variant using bioinformatics tools for the prediction of the effect of amino acid changes on protein structure and function yielded predictions that this variant is benign. Based on the available information, we are unable to determine the clinical significance of this variant.

Hereditary Cancer Group, L’Institut d'Investigació Biomèdica de Bellvitge
Classification: Uncertain significance for Hereditary cancer-predisposing syndrome. Last evaluated: 2024-12-19. Review status: criteria provided, single submitter. Criteria: Hatton et al. (Hum Mutat. 2023). Collection method: clinical testing. Allele origin: germline. Inheritance: Autosomal dominant inheritance. Affected: yes.
Comment: BP4

Ambry Genetics
Classification: Likely benign for Hereditary cancer-predisposing syndrome. Last evaluated: 2024-03-25. Review status: criteria provided, single submitter. Criteria: Ambry Variant Classification Scheme 2023. Collection method: clinical testing. Allele origin: germline.